The following is an entry in ClinVar:

NM_000037.4(ANK1):c.2267del (p.Asn756fs)

Gene: ANK1 (ankyrin 1; minus strand). Cytogenetic location: 8p11.21.
Variant type: Deletion.
Coding change: c.2267del on transcript NM_000037.4 (MANE Select); coding-DNA position 2267, one base deleted (A; older notation c.2267delA).
Protein change: p.Asn756fs; shifts the reading frame from asparagine 756.
Molecular consequence: frameshift variant.
Genome position (GRCh38, 1-based): chr8:41,704,069, T deleted on the plus strand (A on the coding strand, the reverse complement: ANK1 is on the minus strand); the first of 5 consecutive T bases (chr8:41,704,069-41,704,073); deleting any one gives the same sequence. VCF-style (leftmost placement, unchanged base first): chr8-41704068-GT-G. GRCh37 (hg19) VCF-style: chr8-41561586-GT-G.
Other names: c.2366del, p.Asn789fs (NM_001142446.2); c.2267del, p.Asn756fs (NM_020475.3, NM_020476.3, NM_020477.3); short protein forms N756fs, N789fs.
Identifiers: ClinVar variation 1705954 (VCV001705954.5), dbSNP rs2486839062, ClinGen allele CA2580078276.

ClinVar aggregate classification (germline): Likely pathogenic. Review status: criteria provided, multiple submitters, no conflicts (2 of 4 stars). 2 submissions from 2 submitters: Likely pathogenic (2). Last evaluated 2023-12-28.

Conditions:
Hereditary spherocytosis type 1. Also called: Spherocytosis type 1; ANK1-Related Spherocytosis. Identifiers: Orphanet 822, MedGen C2674218, MONDO:0008447, OMIM 182900.

Submissions (2):

Revvity Omics, Revvity
Classification: Likely pathogenic for Hereditary spherocytosis type 1. Last evaluated: 2023-12-28. Review status: criteria provided, single submitter. Criteria: ACMG Guidelines, 2015. Collection method: clinical testing. Allele origin: germline.

Mayo Clinic Laboratories, Mayo Clinic
Classification: Likely pathogenic. Last evaluated: 2021-06-25. Review status: criteria provided, single submitter. Criteria: ACMG Guidelines, 2015. Collection method: clinical testing. Allele origin: germline.
Comment: PVS1, PM2

Literature cited by the submitters: PubMed 30192042 (cited by Mayo Clinic Laboratories, Mayo Clinic).